The following is an entry in ClinVar:

NM_001164508.2(NEB):c.1724T>C (p.Ile575Thr)

Gene: NEB (nebulin; minus strand). Cytogenetic location: 2q23.3.
Variant type: single nucleotide variant.
Coding change: c.1724T>C on transcript NM_001164508.2 (MANE Select); coding-DNA position 1724, T replaced by C.
Protein change: p.Ile575Thr; replaces isoleucine 575 with threonine.
Molecular consequence: missense variant.
Genome position (GRCh38, 1-based): chr2:151,694,580, A>G on the plus strand (T>C on the coding strand, the complement: NEB is on the minus strand). VCF-style: chr2-151694580-A-G. GRCh37 (hg19) VCF-style: chr2-152551094-A-G.
Other names: c.1724T>C, p.Ile575Thr (NM_001164507.2, NM_001271208.2, NM_004543.5); short protein forms I575T.
Identifiers: ClinVar variation 1902059 (VCV001902059.5), dbSNP rs1157461658, ClinGen allele CA348824671.
Genomic context (GRCh38, chr2:151,694,580, plus strand): 5'-ACATCGCTGGTGTTCTTGGTGTTGGCTTTGGCTGCCAGCAGGGGAATGGCATCCACTTTA[A>G]TGTCAAACTTTTTGGCTTTGCTCTTCTCCCAGTCTTGCTTATAAAGATTCTGGACAAAAA-3'
Protein context (NP_001157980.2, residues 565-585): WEKSKAKKFD[Ile575Thr]KVDAIPLLAA

ClinVar aggregate classification (germline): Uncertain significance (1 of 4 stars; one submission).

Conditions:
Nemaline myopathy 2 (NEM2). Also called: Nemaline myopathy 2, autosomal recessive. Identifiers: MedGen C1850569, MONDO:0009725, OMIM 256030.

Allele frequency attached by ClinVar (database versions not stated): gnomAD exomes below 0.00001.
gnomAD v4.1: 2 of 1,607,734 alleles (0.00012%); highest among the groups gnomAD compares: Non-Finnish European, 0.00017%; no homozygotes.

Submission:

Labcorp Genetics (formerly Invitae), Labcorp
Classification: Uncertain significance for Nemaline myopathy 2. Last evaluated: 2022-07-15. Review status: criteria provided, single submitter. Criteria: Invitae Variant Classification Sherloc (09022015). Collection method: clinical testing. Allele origin: germline.
Comment: In summary, the available evidence is currently insufficient to determine the role of this variant in disease. Therefore, it has been classified as a Variant of Uncertain Significance. Algorithms developed to predict the effect of missense changes on protein structure and function are either unavailable or do not agree on the potential impact of this missense change (SIFT: "Deleterious"; PolyPhen-2: "Not Available"; Align-GVGD: "Class C0"). This variant has not been reported in the literature in individuals affected with NEB-related conditions. The frequency data for this variant in the population databases is considered unreliable, as metrics indicate poor data quality at this position in the gnomAD database. This sequence change replaces isoleucine, which is neutral and non-polar, with threonine, which is neutral and polar, at codon 575 of the NEB protein (p.Ile575Thr).